The following is an entry in ClinVar:

ClinVar aggregate classification (germline): Likely benign (1 of 4 stars; one submission).

Allele frequency attached by ClinVar (database versions not stated): 1000 Genomes Project 0.00180; 1000 Genomes Project 30x 0.00187; gnomAD 0.00480; TOPMed 0.00490; ESP Exome Variant Server 0.00527; ExAC 0.00558.
gnomAD v4.1: 12,763 of 1,556,448 alleles (0.82%); highest among the groups gnomAD compares: Non-Finnish European, 1%; 69 homozygotes.

Submission:

CeGaT Center for Human Genetics Tuebingen
Classification: Likely benign. Last evaluated: 2023-05-01. Review status: criteria provided, single submitter. Criteria: CeGaT Center For Human Genetics Tuebingen Variant Classification Criteria Version 2. Collection method: clinical testing. Allele origin: germline. Affected: yes. Observed: 1 variant allele.
Comment: COX5B: BP4, BP7, BS2

NM_001862.3(COX5B):c.21C>T (p.Arg7=)

Genes: COX5B (cytochrome c oxidase subunit 5B; plus strand), LOC129934385 (ATAC-STARR-seq lymphoblastoid active region 16239; plus strand). Cytogenetic location: 2q11.2.
Variant type: single nucleotide variant.
Coding change: c.21C>T on transcript NM_001862.3 (MANE Select); coding-DNA position 21, C replaced by T.
Protein change: p.Arg7=; no amino-acid change (arginine 7 retained).
Molecular consequence: synonymous variant.
Genome position (GRCh38, 1-based): chr2:97,646,107, C>T. VCF-style: chr2-97646107-C-T. GRCh37 (hg19) VCF-style: chr2-98262570-C-T.
Identifiers: ClinVar variation 2651169 (VCV002651169.24), dbSNP rs114574573, ClinGen allele CA1789395.